The following is an entry in ClinVar:

ClinVar aggregate classification (germline): Uncertain significance (1 of 4 stars; one submission).

Conditions:
Familial focal epilepsy with variable foci (FPEVF). Identifiers: Orphanet 98820, MedGen C1858477, MONDO:0020310.

Submission:

Labcorp Genetics (formerly Invitae), Labcorp
Classification: Uncertain significance for Familial focal epilepsy with variable foci. Last evaluated: 2024-09-05. Review status: criteria provided, single submitter. Criteria: Invitae Variant Classification Sherloc (09022015). Collection method: clinical testing. Allele origin: germline.
Comment: This sequence change replaces threonine, which is neutral and polar, with serine, which is neutral and polar, at codon 96 of the DEPDC5 protein (p.Thr96Ser). This variant is not present in population databases (gnomAD no frequency). This variant has not been reported in the literature in individuals affected with DEPDC5-related conditions. Experimental studies and prediction algorithms are not available or were not evaluated, and the functional significance of this variant is currently unknown. In summary, the available evidence is currently insufficient to determine the role of this variant in disease. Therefore, it has been classified as a Variant of Uncertain Significance.

NM_001242896.3(DEPDC5):c.286A>T (p.Thr96Ser)

Gene: DEPDC5 (DEP domain containing 5, GATOR1 subcomplex subunit; plus strand). Cytogenetic location: 22q12.2.
Variant type: single nucleotide variant.
Coding change: c.286A>T on transcript NM_001242896.3 (MANE Select); coding-DNA position 286, A replaced by T.
Protein change: p.Thr96Ser; replaces threonine 96 with serine.
Molecular consequence: missense variant. On other transcripts: non-coding transcript variant (5), intron variant (2).
Genome position (GRCh38, 1-based): chr22:31,766,591, A>T. VCF-style: chr22-31766591-A-T. GRCh37 (hg19) VCF-style: chr22-32162577-A-T.
Other names: c.286A>T, p.Thr96Ser (NM_001242897.2, NM_001363852.2, NM_001363854.2 and 7 more transcripts); c.279+1531A>T (NM_001369902.1, NM_001369901.1); short protein forms T96S.
Identifiers: ClinVar variation 3019318 (VCV003019318.3), dbSNP rs1398134595, ClinGen allele CA411282232.